The following is an entry in ClinVar:

NM_001557.4(CXCR2):c.950T>C (p.Ile317Thr)

Gene: CXCR2 (C-X-C motif chemokine receptor 2; plus strand). Cytogenetic location: 2q35.
Variant type: single nucleotide variant.
Coding change: c.950T>C on transcript NM_001557.4 (MANE Select); coding-DNA position 950, T replaced by C.
Protein change: p.Ile317Thr; replaces isoleucine 317 with threonine.
Molecular consequence: missense variant.
Genome position (GRCh38, 1-based): chr2:218,135,751, T>C. VCF-style: chr2-218135751-T-C. GRCh37 (hg19) VCF-style: chr2-219000474-T-C.
Other names: c.950T>C, p.Ile317Thr (NM_001168298.2); short protein forms I317T.
Identifiers: ClinVar variation 1924783 (VCV001924783.4), dbSNP rs2469116443, ClinGen allele CA350532565.

ClinVar aggregate classification (germline): Uncertain significance (1 of 4 stars; one submission).

Allele frequency attached by ClinVar (database versions not stated): gnomAD exomes below 0.00001.
gnomAD v4.1: 1 of 1,614,040 alleles (0.000062%); highest among the groups gnomAD compares: Non-Finnish European, 0.000085%; no homozygotes.

Submission:

Labcorp Genetics (formerly Invitae), Labcorp
Classification: Uncertain significance. Last evaluated: 2022-01-16. Review status: criteria provided, single submitter. Criteria: Invitae Variant Classification Sherloc (09022015). Collection method: clinical testing. Allele origin: germline.
Comment: In summary, the available evidence is currently insufficient to determine the role of this variant in disease. Therefore, it has been classified as a Variant of Uncertain Significance. Algorithms developed to predict the effect of missense changes on protein structure and function (SIFT, PolyPhen-2, Align-GVGD) all suggest that this variant is likely to be disruptive. This variant has not been reported in the literature in individuals affected with CXCR2-related conditions. This variant is not present in population databases (gnomAD no frequency). This sequence change replaces isoleucine, which is neutral and non-polar, with threonine, which is neutral and polar, at codon 317 of the CXCR2 protein (p.Ile317Thr).